The following is an entry in ClinVar:

ClinVar aggregate classification (germline): Uncertain significance. Review status: criteria provided, multiple submitters, no conflicts (2 of 4 stars). 3 submissions from 3 submitters: Uncertain significance (3). Last evaluated 2024-03-04.

Conditions:
Inborn genetic diseases. Identifiers: MedGen C0950123, MeSH D030342.
BNAR syndrome. Also called: Bifid Nose With or Without Anorectal and Renal Anomalies (BNAR) Syndrome. Identifiers: Orphanet 217266, MedGen C2750433, MONDO:0012165, OMIM 608980.
Oculotrichoanal syndrome (MOTA). Also called: Manitoba Oculotrichoanal (MOTA) Syndrome; MARLES SYNDROME. Identifiers: Orphanet 2717, MedGen C1855425, MONDO:0009560, OMIM 248450.
Trigonocephaly 2 (TRIGNO2). Identifiers: Orphanet 3366, MedGen C3280974, MONDO:0013774, OMIM 614485.

Allele frequency attached by ClinVar (database versions not stated): gnomAD 0.00001 and 0.00002; gnomAD exomes 0.00002; 1000 Genomes Project 30x 0.00016; 1000 Genomes Project 0.00020; ExAC 0.00003.
gnomAD v4.1: 31 of 1,611,094 alleles (0.0019%); highest among the groups gnomAD compares: East Asian, 0.0067%; no homozygotes.

Submissions (3):

Fulgent Genetics
Classification: Uncertain significance for Oculotrichoanal syndrome; BNAR syndrome; Trigonocephaly 2. Last evaluated: 2024-03-04. Review status: criteria provided, single submitter. Criteria: ACMG Guidelines, 2015. Collection method: clinical testing. Allele origin: germline.

Ambry Genetics
Classification: Uncertain significance for Inborn genetic diseases. Last evaluated: 2023-03-13. Review status: criteria provided, single submitter. Criteria: Ambry Variant Classification Scheme 2023. Collection method: clinical testing. Allele origin: germline.

Labcorp Genetics (formerly Invitae), Labcorp
Classification: Uncertain significance. Last evaluated: 2021-11-22. Review status: criteria provided, single submitter. Criteria: Invitae Variant Classification Sherloc (09022015). Collection method: clinical testing. Allele origin: germline.
Comment: This sequence change replaces histidine, which is basic and polar, with arginine, which is basic and polar, at codon 618 of the FREM1 protein (p.His618Arg). The frequency data for this variant in the population databases is considered unreliable, as metrics indicate poor data quality at this position in the gnomAD database. This variant has not been reported in the literature in individuals affected with FREM1-related conditions. Algorithms developed to predict the effect of missense changes on protein structure and function are either unavailable or do not agree on the potential impact of this missense change (SIFT: "Deleterious"; PolyPhen-2: "Probably Damaging"; Align-GVGD: "Class C0"). In summary, the available evidence is currently insufficient to determine the role of this variant in disease. Therefore, it has been classified as a Variant of Uncertain Significance.

NM_001379081.2(FREM1):c.1853A>G (p.His618Arg)

Gene: FREM1 (FRAS1 related extracellular matrix 1; minus strand). Cytogenetic location: 9p22.3.
Variant type: single nucleotide variant.
Coding change: c.1853A>G on transcript NM_001379081.2 (MANE Select); coding-DNA position 1853, A replaced by G.
Protein change: p.His618Arg; replaces histidine 618 with arginine.
Molecular consequence: missense variant. On other transcripts: non-coding transcript variant (2).
Genome position (GRCh38, 1-based): chr9:14,841,475, T>C on the plus strand (A>G on the coding strand, the complement: FREM1 is on the minus strand). VCF-style: chr9-14841475-T-C. GRCh37 (hg19) VCF-style: chr9-14841473-T-C.
Other names: c.1853A>G (NM_144966.5); c.1853A>G, p.His618Arg (NM_144966.7); short protein forms H618R.
Identifiers: ClinVar variation 1370941 (VCV001370941.5), dbSNP rs200445890, ClinGen allele CA4991123.